The following is an entry in ClinVar:

NM_024598.4(USB1):c.208C>T (p.Arg70Trp)

Gene: USB1 (U6 snRNA biogenesis phosphodiesterase 1; plus strand). Cytogenetic location: 16q21.
Variant type: single nucleotide variant.
Coding change: c.208C>T on transcript NM_024598.4 (MANE Select); coding-DNA position 208, C replaced by T.
Protein change: p.Arg70Trp; replaces arginine 70 with tryptophan.
Molecular consequence: missense variant.
Genome position (GRCh38, 1-based): chr16:58,002,588, C>T. VCF-style: chr16-58002588-C-T. GRCh37 (hg19) VCF-style: chr16-58036492-C-T.
Other names: p.Arg70Trp; c.208C>T, p.Arg70Trp (NM_001195302.2, NM_001204911.2, NM_001330569.2); c.55C>T, p.Arg19Trp (NM_001330568.2); c.208C>T (NM_024598.3); short protein forms R19W, R70W.
Identifiers: ClinVar variation 1486251 (VCV001486251.6), dbSNP rs531886363, ClinGen allele CA8084831.

ClinVar aggregate classification (germline): Uncertain significance. Review status: criteria provided, multiple submitters, no conflicts (2 of 4 stars). 4 submissions from 4 submitters: Uncertain significance (4). Last evaluated 2024-11-25.

Conditions:
Poikiloderma with neutropenia (PN). Identifiers: Orphanet 221046, MedGen C1858723, MONDO:0011405, OMIM 604173.

gnomAD v4.1: 82 of 1,613,878 alleles (0.0051%); highest among the groups gnomAD compares: African/African-American, 0.0067%; no homozygotes.

Submissions (4):

Blueprint Genetics
Classification: Uncertain significance. Last evaluated: 2024-11-25. Review status: criteria provided, single submitter. Criteria: ACMG Guidelines, 2015. Collection method: clinical testing. Allele origin: germline.

Fulgent Genetics
Classification: Uncertain significance for Poikiloderma with neutropenia. Last evaluated: 2024-06-25. Review status: criteria provided, single submitter. Criteria: ACMG Guidelines, 2015. Collection method: clinical testing. Allele origin: germline.

Labcorp Genetics (formerly Invitae), Labcorp
Classification: Uncertain significance. Last evaluated: 2022-10-07. Review status: criteria provided, single submitter. Criteria: Invitae Variant Classification Sherloc (09022015). Collection method: clinical testing. Allele origin: germline.
Comment: This sequence change replaces arginine, which is basic and polar, with tryptophan, which is neutral and slightly polar, at codon 70 of the USB1 protein (p.Arg70Trp). This variant is present in population databases (rs531886363, gnomAD 0.01%). This variant has not been reported in the literature in individuals affected with USB1-related conditions. ClinVar contains an entry for this variant (Variation ID: 1486251). Advanced modeling of protein sequence and biophysical properties (such as structural, functional, and spatial information, amino acid conservation, physicochemical variation, residue mobility, and thermodynamic stability) performed at Invitae indicates that this missense variant is expected to disrupt USB1 protein function. In summary, the available evidence is currently insufficient to determine the role of this variant in disease. Therefore, it has been classified as a Variant of Uncertain Significance.

Mayo Clinic Laboratories, Mayo Clinic
Classification: Uncertain significance. Last evaluated: 2022-04-28. Review status: criteria provided, single submitter. Criteria: ACMG Guidelines, 2015. Collection method: clinical testing. Allele origin: germline. Observed: 1 variant allele.
Comment: BP5